The following is an entry in ClinVar:

ClinVar aggregate classification (germline): Likely benign. Review status: criteria provided, single submitter (1 of 4 stars). 2 submissions from 2 submitters: Likely benign (1). 1 of the submissions does not count toward it. Last evaluated 2024-08-22.

Conditions:
BEST1-related disorder. Also called: BEST1-related condition; BEST1-related disorders. Identifiers: MedGen CN239200.

Allele frequency attached by ClinVar (database versions not stated): ExAC 0.00072; 1000 Genomes Project 30x 0.00219; 1000 Genomes Project 0.00220; gnomAD 0.00252; TOPMed 0.00306; ESP Exome Variant Server 0.00323.
gnomAD v4.1: 758 of 1,614,180 alleles (0.047%); highest among the groups gnomAD compares: African/African-American, 0.9%; 4 homozygotes.

Submissions (2):

Blueprint Genetics
Classification: Likely benign. Last evaluated: 2024-08-22. Review status: criteria provided, single submitter. Criteria: ACMG Guidelines, 2015. Collection method: clinical testing. Allele origin: germline.

PreventionGenetics, part of Exact Sciences
Classification: Benign for BEST1-related condition. Last evaluated: 2019-11-06. Review status: no assertion criteria provided. Collection method: clinical testing. Allele origin: germline. Not counted in ClinVar's aggregate classification.
Comment: This variant is classified as benign based on ACMG/AMP sequence variant interpretation guidelines (Richards et al. 2015 PMID: 25741868, with internal and published modifications).

NM_004183.4(BEST1):c.1739+37C>T

Gene: BEST1 (bestrophin 1; plus strand). Cytogenetic location: 11q12.3.
Variant type: single nucleotide variant.
Coding change: c.1739+37C>T on transcript NM_004183.4 (MANE Select); 37 bases into the intron after coding-DNA position 1739, C replaced by T.
Molecular consequence: intron variant. On other transcripts: synonymous variant (3).
Genome position (GRCh38, 1-based): chr11:61,962,930, C>T. VCF-style: chr11-61962930-C-T. GRCh37 (hg19) VCF-style: chr11-61730402-C-T.
Other names: c.1596C>T, p.Ala532= (NM_001139443.3); c.1458C>T, p.Ala486= (NM_001363591.3); c.*671C>T (NM_001363592.2); c.804C>T, p.Ala268= (NM_001363593.3); c.1559+37C>T (NM_001300787.2); c.1478+37C>T (NM_001300786.2).
Identifiers: ClinVar variation 3056420 (VCV003056420.3), dbSNP rs182182538, ClinGen allele CA6041117.